The following is an entry in ClinVar:

NM_006662.3(SRCAP):c.4883C>G (p.Pro1628Arg)

Gene: SRCAP (Snf2 related CREBBP activator protein; plus strand). Cytogenetic location: 16p11.2.
Variant type: single nucleotide variant.
Coding change: c.4883C>G on transcript NM_006662.3 (MANE Select); coding-DNA position 4883, C replaced by G.
Protein change: p.Pro1628Arg; replaces proline 1628 with arginine.
Molecular consequence: missense variant.
Genome position (GRCh38, 1-based): chr16:30,724,307, C>G. VCF-style: chr16-30724307-C-G. GRCh37 (hg19) VCF-style: chr16-30735628-C-G.
Other names: short protein forms P1628R.
Identifiers: ClinVar variation 3623000 (VCV003623000.2).

ClinVar aggregate classification (germline): Uncertain significance (1 of 4 stars; one submission).

gnomAD v4.1: 1 of 1,614,156 alleles (0.000062%); highest among the groups gnomAD compares: Admixed American, 0.0017%; no homozygotes.

Submission:

Labcorp Genetics (formerly Invitae), Labcorp
Classification: Uncertain significance. Last evaluated: 2024-10-03. Review status: criteria provided, single submitter. Criteria: Invitae Variant Classification Sherloc (09022015). Collection method: clinical testing. Allele origin: germline.
Comment: This sequence change replaces proline, which is neutral and non-polar, with arginine, which is basic and polar, at codon 1628 of the SRCAP protein (p.Pro1628Arg). This variant is present in population databases (no rsID available, gnomAD 0.003%). This variant has not been reported in the literature in individuals affected with SRCAP-related conditions. Invitae Evidence Modeling of protein sequence and biophysical properties (such as structural, functional, and spatial information, amino acid conservation, physicochemical variation, residue mobility, and thermodynamic stability) indicates that this missense variant is not expected to disrupt SRCAP protein function with a negative predictive value of 80%. In summary, the available evidence is currently insufficient to determine the role of this variant in disease. Therefore, it has been classified as a Variant of Uncertain Significance.